The following is an entry in ClinVar:

ClinVar aggregate classification (germline): Uncertain significance (1 of 4 stars; one submission).

Conditions:
Arrhythmogenic right ventricular dysplasia 13. Also called: Arrhythmogenic right ventricular dysplasia, familial, 13; ARRHYTHMOGENIC RIGHT VENTRICULAR CARDIOMYOPATHY 13. Identifiers: MedGen C3810138, MONDO:0000908, OMIM 615616.

gnomAD v4.1: 2 of 1,611,736 alleles (0.00012%); highest among the groups gnomAD compares: Non-Finnish European, 0.00017%; no homozygotes.

Submission:

Labcorp Genetics (formerly Invitae), Labcorp
Classification: Uncertain significance for Arrhythmogenic right ventricular dysplasia 13. Last evaluated: 2025-10-10. Review status: criteria provided, single submitter. Criteria: Invitae Variant Classification Sherloc (09022015). Collection method: clinical testing. Allele origin: germline.
Comment: This sequence change replaces glycine, which is neutral and non-polar, with arginine, which is basic and polar, at codon 723 of the CTNNA3 protein (p.Gly723Arg). This variant is not present in population databases (gnomAD no frequency). This variant has not been reported in the literature in individuals affected with CTNNA3-related conditions. ClinVar contains an entry for this variant (Variation ID: 1493845). Invitae Evidence Modeling of protein sequence and biophysical properties (such as structural, functional, and spatial information, amino acid conservation, physicochemical variation, residue mobility, and thermodynamic stability) indicates that this missense variant is expected to disrupt CTNNA3 protein function with a positive predictive value of 80%. In summary, the available evidence is currently insufficient to determine the role of this variant in disease. Therefore, it has been classified as a Variant of Uncertain Significance.

NM_013266.4(CTNNA3):c.2167G>A (p.Gly723Arg)

Gene: CTNNA3 (catenin alpha 3; minus strand). Cytogenetic location: 10q21.3.
Variant type: single nucleotide variant.
Coding change: c.2167G>A on transcript NM_013266.4 (MANE Select); coding-DNA position 2167, G replaced by A.
Protein change: p.Gly723Arg; replaces glycine 723 with arginine.
Molecular consequence: missense variant.
Genome position (GRCh38, 1-based): chr10:65,988,790, C>T on the plus strand (G>A on the coding strand, the complement: CTNNA3 is on the minus strand). VCF-style: chr10-65988790-C-T. GRCh37 (hg19) VCF-style: chr10-67748548-C-T.
Other names: c.2167G>A, p.Gly723Arg (NM_001127384.3); short protein forms G723R.
Identifiers: ClinVar variation 1493845 (VCV001493845.8), dbSNP rs2133326152, ClinGen allele CA377089411.
Genomic context (GRCh38, chr10:65,988,790, plus strand): 5'-ATCCTGATTCTGATATCATTTTCGCTGCATAGATCACATCAGTTGTATGCTTTAGTGGTC[C>T]TTTGCCCCTGGAAAAAAATTTATATATGTTAGCTGTGGTGTTCATGAGAAAATATATGTT-3'
Protein context (NP_037398.2, residues 713-733): MEMTDFTRGK[Gly723Arg]PLKHTTDVIY